The following is an entry in ClinVar:

ClinVar aggregate classification (germline): Uncertain significance. Review status: criteria provided, multiple submitters, no conflicts (2 of 4 stars). 2 submissions from 2 submitters: Uncertain significance (2). Last evaluated 2025-09-01.

Allele frequency attached by ClinVar (database versions not stated): gnomAD 0.00002.
gnomAD v4.1: 18 of 1,612,714 alleles (0.0011%); highest among the groups gnomAD compares: Non-Finnish European, 0.0014%; no homozygotes.

Submissions (2):

Ambry Genetics
Classification: Uncertain significance. Last evaluated: 2025-09-01. Review status: criteria provided, single submitter. Criteria: Ambry Variant Classification Scheme 2023. Collection method: clinical testing. Allele origin: germline.

Labcorp Genetics (formerly Invitae), Labcorp
Classification: Uncertain significance. Last evaluated: 2025-03-17. Review status: criteria provided, single submitter. Criteria: Invitae Variant Classification Sherloc (09022015). Collection method: clinical testing. Allele origin: germline.
Comment: This sequence change replaces proline, which is neutral and non-polar, with alanine, which is neutral and non-polar, at codon 302 of the DNAJC17 protein (p.Pro302Ala). This variant is present in population databases (no rsID available, gnomAD 0.0009%). This variant has not been reported in the literature in individuals affected with DNAJC17-related conditions. ClinVar contains an entry for this variant (Variation ID: 1908261). An algorithm developed to predict the effect of missense changes on protein structure and function (PolyPhen-2) suggests that this variant is likely to be tolerated. In summary, the available evidence is currently insufficient to determine the role of this variant in disease. Therefore, it has been classified as a Variant of Uncertain Significance.

NM_018163.3(DNAJC17):c.904C>G (p.Pro302Ala)

Gene: DNAJC17 (DnaJ heat shock protein family (Hsp40) member C17; minus strand). Cytogenetic location: 15q15.1.
Variant type: single nucleotide variant.
Coding change: c.904C>G on transcript NM_018163.3 (MANE Select); coding-DNA position 904, C replaced by G.
Protein change: p.Pro302Ala; replaces proline 302 with alanine.
Molecular consequence: missense variant.
Genome position (GRCh38, 1-based): chr15:40,767,951, G>C on the plus strand (C>G on the coding strand, the complement: DNAJC17 is on the minus strand). VCF-style: chr15-40767951-G-C. GRCh37 (hg19) VCF-style: chr15-41060149-G-C.
Other names: c.904C>G (NM_018163.2); short protein forms P302A.
Identifiers: ClinVar variation 1908261 (VCV001908261.7), dbSNP rs762395033, ClinGen allele CA391756413.